The following is an entry in ClinVar:

ClinVar aggregate classification (germline): Uncertain significance (1 of 4 stars; one submission).

Submission:

Clinical Genomics Laboratory, Washington University in St. Louis
Classification: Uncertain significance. Last evaluated: 2024-07-15. Review status: criteria provided, single submitter. Criteria: ACMG Guidelines, 2015. Collection method: clinical testing. Allele origin: germline.
Comment: The PEA15 c.214C>T (p.Arg72Cys) variant, to our knowledge, has not been reported in the medical literature and is absent from the general population (gnomAD v.2.1.1), indicating it is not a common variant. This variant affects the arginine (R) in the RXDL motif, a sequence present in all death effector domain proteins, although the specific function of this motif is not well understood. Notably, the arginine immediately upstream of this codon, p.Arg71, is predicted to directly interact with ERK2 (Ikedife J et al., PMID: 34997083). Computational predictors indicate that the variant is damaging, evidence that may correlate with impact to PEA-15 function. Due to limited information, the clinical significance of this variant is uncertain.

NM_003768.5(PEA15):c.214C>T (p.Arg72Cys)

Gene: PEA15 (proliferation and apoptosis adaptor protein 15; plus strand). Cytogenetic location: 1q23.2.
Variant type: single nucleotide variant.
Coding change: c.214C>T on transcript NM_003768.5 (MANE Select); coding-DNA position 214, C replaced by T.
Protein change: p.Arg72Cys; replaces arginine 72 with cysteine.
Molecular consequence: missense variant. On other transcripts: non-coding transcript variant (1).
Genome position (GRCh38, 1-based): chr1:160,213,151, C>T. VCF-style: chr1-160213151-C-T. GRCh37 (hg19) VCF-style: chr1-160182941-C-T.
Other names: c.277C>T, p.Arg93Cys (NM_001297576.2); c.214C>T, p.Arg72Cys (NM_001297577.2); c.148C>T, p.Arg50Cys (NM_001297578.2); short protein forms R50C, R72C, R93C.
Identifiers: ClinVar variation 3600422 (VCV003600422.1).